The following is an entry in ClinVar:

ClinVar aggregate classification (germline): Uncertain significance. Review status: criteria provided, multiple submitters, no conflicts (2 of 4 stars). 3 submissions from 3 submitters: Uncertain significance (3). Last evaluated 2026-03-11.

Conditions:
Cardiovascular phenotype. Identifiers: MedGen CN230736.
RASopathy. Also called: Noonan spectrum disorder; rasopathies. Identifiers: Orphanet 536391, MedGen C5555857, MONDO:0021060.

gnomAD v4.1: 2 of 1,612,156 alleles (0.00012%); highest among the groups gnomAD compares: Non-Finnish European, 0.000085%; no homozygotes.

Submissions (3):

GeneDx
Classification: Uncertain significance. Last evaluated: 2026-03-11. Review status: criteria provided, single submitter. Criteria: GeneDx Variant Classification Process June 2021. Collection method: clinical testing. Allele origin: germline.
Comment: Missense variants in this gene are a common cause of disease and they are underrepresented in the general population; In silico analysis supports that this missense variant has a deleterious effect on protein structure/function; Has not been previously published as pathogenic or benign to our knowledge; This variant is associated with the following publications: (PMID: 29493581)

Labcorp Genetics (formerly Invitae), Labcorp
Classification: Uncertain significance for RASopathy. Last evaluated: 2025-12-21. Review status: criteria provided, single submitter. Criteria: Invitae Variant Classification Sherloc (09022015). Collection method: clinical testing. Allele origin: germline.
Comment: This sequence change replaces histidine, which is basic and polar, with glutamine, which is neutral and polar, at codon 116 of the PTPN11 protein (p.His116Gln). This variant is present in population databases (no rsID available, gnomAD 0.01%). This variant has not been reported in the literature in individuals affected with PTPN11-related conditions. ClinVar contains an entry for this variant (Variation ID: 3784958). Invitae Evidence Modeling of protein sequence and biophysical properties (such as structural, functional, and spatial information, amino acid conservation, physicochemical variation, residue mobility, and thermodynamic stability) has been performed for this missense variant. However, the output from this modeling did not meet the statistical confidence thresholds required to predict the impact of this variant on PTPN11 protein function. In summary, the available evidence is currently insufficient to determine the role of this variant in disease. Therefore, it has been classified as a Variant of Uncertain Significance.

Ambry Genetics
Classification: Uncertain significance for Cardiovascular phenotype. Last evaluated: 2025-01-17. Review status: criteria provided, single submitter. Criteria: Ambry Variant Classification Scheme 2023. Collection method: clinical testing. Allele origin: germline.
Comment: The p.H116Q variant (also known as c.348T>G), located in coding exon 4 of the PTPN11 gene, results from a T to G substitution at nucleotide position 348. The histidine at codon 116 is replaced by glutamine, an amino acid with highly similar properties. This amino acid position is conserved. In addition, the in silico prediction for this alteration is inconclusive. Based on the available evidence, the clinical significance of this variant remains unclear.

NM_002834.5(PTPN11):c.348T>G (p.His116Gln)

Gene: PTPN11 (protein tyrosine phosphatase non-receptor type 11; plus strand). Cytogenetic location: 12q24.13.
Variant type: single nucleotide variant.
Coding change: c.348T>G on transcript NM_002834.5 (MANE Select); coding-DNA position 348, T replaced by G.
Protein change: p.His116Gln; replaces histidine 116 with glutamine.
Molecular consequence: missense variant.
Genome position (GRCh38, 1-based): chr12:112,453,210, T>G. VCF-style: chr12-112453210-T-G. GRCh37 (hg19) VCF-style: chr12-112891014-T-G.
Other names: c.348T>G, p.His116Gln (NM_001330437.2, NM_080601.3); c.345T>G, p.His115Gln (NM_001374625.1); short protein forms H116Q, H115Q.
Identifiers: ClinVar variation 3784958 (VCV003784958.3).